The following is an entry in ClinVar:

ClinVar aggregate classification (germline): Uncertain significance. Review status: criteria provided, multiple submitters, no conflicts (2 of 4 stars). 2 submissions from 2 submitters: Uncertain significance (2). Last evaluated 2025-04-19.

Conditions:
Hereditary cancer-predisposing syndrome. Also called: Neoplastic Syndromes, Hereditary; Tumor predisposition; Hereditary Cancer Syndrome; Hereditary neoplastic syndrome. Identifiers: Orphanet 140162, MedGen C0027672, MeSH D009386, MONDO:0015356.
POLD1-related polyposis and colorectal cancer syndrome (CRCS10). Also called: Colorectal cancer 10; COLORECTAL CANCER, SUSCEPTIBILITY TO, ON CHROMOSOME 19q; Colorectal cancer, susceptibility to, 10. Identifiers: Orphanet 220460, MedGen C2675481, MONDO:0012953, OMIM 612591.

Submissions (2):

Ambry Genetics
Classification: Uncertain significance for Hereditary cancer-predisposing syndrome. Last evaluated: 2025-04-19. Review status: criteria provided, single submitter. Criteria: Ambry Variant Classification Scheme 2023. Collection method: clinical testing. Allele origin: germline.
Comment: The p.P542S variant (also known as c.1624C>T), located in coding exon 12 of the POLD1 gene, results from a C to T substitution at nucleotide position 1624. The proline at codon 542 is replaced by serine, an amino acid with similar properties. This amino acid position is conserved. In addition, this alteration is predicted to be tolerated by in silico analysis. Based on the available evidence, the clinical significance of this variant remains unclear.

Labcorp Genetics (formerly Invitae), Labcorp
Classification: Uncertain significance for POLD1-related polyposis and colorectal cancer syndrome. Last evaluated: 2025-03-12. Review status: criteria provided, single submitter. Criteria: Invitae Variant Classification Sherloc (09022015). Collection method: clinical testing. Allele origin: germline.
Comment: This sequence change replaces proline, which is neutral and non-polar, with serine, which is neutral and polar, at codon 542 of the POLD1 protein (p.Pro542Ser). This variant is not present in population databases (gnomAD no frequency). This variant has not been reported in the literature in individuals affected with POLD1-related conditions. Invitae Evidence Modeling of protein sequence and biophysical properties (such as structural, functional, and spatial information, amino acid conservation, physicochemical variation, residue mobility, and thermodynamic stability) indicates that this missense variant is not expected to disrupt POLD1 protein function with a negative predictive value of 80%. In summary, the available evidence is currently insufficient to determine the role of this variant in disease. Therefore, it has been classified as a Variant of Uncertain Significance.

NM_002691.4(POLD1):c.1624C>T (p.Pro542Ser)

Gene: POLD1 (DNA polymerase delta 1, catalytic subunit; plus strand). Cytogenetic location: 19q13.33.
Variant type: single nucleotide variant.
Coding change: c.1624C>T on transcript NM_002691.4 (MANE Select); coding-DNA position 1624, C replaced by T.
Protein change: p.Pro542Ser; replaces proline 542 with serine.
Molecular consequence: missense variant. On other transcripts: non-coding transcript variant (1).
Genome position (GRCh38, 1-based): chr19:50,407,112, C>T. VCF-style: chr19-50407112-C-T. GRCh37 (hg19) VCF-style: chr19-50910369-C-T.
Other names: c.1624C>T, p.Pro542Ser (NM_001256849.1, NM_001308632.1); short protein forms P542S.
Identifiers: ClinVar variation 3935565 (VCV003935565.2).